The following is an entry in ClinVar:

ClinVar aggregate classification (germline): Uncertain significance. Review status: criteria provided, multiple submitters, no conflicts (2 of 4 stars). 2 submissions from 2 submitters: Uncertain significance (2). Last evaluated 2025-01-31.

Allele frequency attached by ClinVar (database versions not stated): TOPMed below 0.00001; gnomAD 0.00001.
gnomAD v4.1: 1 of 1,612,644 alleles (0.000062%); highest among the groups gnomAD compares: African/African-American, 0.0013%; no homozygotes.

Submissions (2):

Ambry Genetics
Classification: Uncertain significance. Last evaluated: 2025-01-31. Review status: criteria provided, single submitter. Criteria: Ambry Variant Classification Scheme 2023. Collection method: clinical testing. Allele origin: germline.

Labcorp Genetics (formerly Invitae), Labcorp
Classification: Uncertain significance. Last evaluated: 2022-02-03. Review status: criteria provided, single submitter. Criteria: Invitae Variant Classification Sherloc (09022015). Collection method: clinical testing. Allele origin: germline.
Comment: In summary, the available evidence is currently insufficient to determine the role of this variant in disease. Therefore, it has been classified as a Variant of Uncertain Significance. Algorithms developed to predict the effect of missense changes on protein structure and function are either unavailable or do not agree on the potential impact of this missense change (SIFT: "Deleterious"; PolyPhen-2: "Possibly Damaging"; Align-GVGD: "Class C15"). ClinVar contains an entry for this variant (Variation ID: 1009240). This variant has not been reported in the literature in individuals affected with IL6ST-related conditions. This variant is not present in population databases (gnomAD no frequency). This sequence change replaces serine, which is neutral and polar, with phenylalanine, which is neutral and non-polar, at codon 581 of the IL6ST protein (p.Ser581Phe).

NM_002184.4(IL6ST):c.1742C>T (p.Ser581Phe)

Gene: IL6ST (interleukin 6 cytokine family signal transducer; minus strand). Cytogenetic location: 5q11.2.
Variant type: single nucleotide variant.
Coding change: c.1742C>T on transcript NM_002184.4 (MANE Select); coding-DNA position 1742, C replaced by T.
Protein change: p.Ser581Phe; replaces serine 581 with phenylalanine.
Molecular consequence: missense variant. On other transcripts: 3 prime UTR variant (1), non-coding transcript variant (2).
Genome position (GRCh38, 1-based): chr5:55,951,562, G>A on the plus strand (C>T on the coding strand, the complement: IL6ST is on the minus strand). VCF-style: chr5-55951562-G-A. GRCh37 (hg19) VCF-style: chr5-55247390-G-A.
Other names: c.1742C>T (NM_002184.3); c.1559C>T, p.Ser520Phe (NM_001190981.2); c.1640C>T, p.Ser547Phe (NM_001364275.2); c.1532C>T, p.Ser511Phe (NM_001364276.2); c.875C>T, p.Ser292Phe (NM_001364277.2); c.839C>T, p.Ser280Phe (NM_001364278.2); c.746C>T, p.Ser249Phe (NM_001364279.2); c.*669C>T (NM_175767.3); short protein forms S249F, S280F, S292F, S511F, S520F, S547F, S581F.
Identifiers: ClinVar variation 1009240 (VCV001009240.9), dbSNP rs1274122062, ClinGen allele CA359761758.
Genomic context (GRCh38, chr5:55,951,562, plus strand): 5'-TTCCCACCTTCATCTGTGTATGCTGCCATTCGTACCATGTACAATGTGTCACTAGTCAAA[G>A]AGGACAATGTATATTCTGTGTGGGAAGAATCCACATTCACAGCTGGAAGAAATAAGAACT-3'
Protein context (NP_002175.2, residues 571-591): DSSHTEYTLS[Ser581Phe]LTSDTLYMVR